The following is an entry in ClinVar:

NM_000219.6(KCNE1):c.290C>G (p.Ala97Gly)

Gene: KCNE1 (potassium voltage-gated channel subfamily E regulatory subunit 1; minus strand). Cytogenetic location: 21q22.12.
Variant type: single nucleotide variant.
Coding change: c.290C>G on transcript NM_000219.6 (MANE Select); coding-DNA position 290, C replaced by G.
Protein change: p.Ala97Gly; replaces alanine 97 with glycine.
Molecular consequence: missense variant.
Genome position (GRCh38, 1-based): chr21:34,449,345, G>C on the plus strand (C>G on the coding strand, the complement: KCNE1 is on the minus strand). VCF-style: chr21-34449345-G-C. GRCh37 (hg19) VCF-style: chr21-35821643-G-C.
Other names: c.290C>G, p.Ala97Gly (NM_001127668.4, NM_001127669.4, NM_001127670.4 and 4 more transcripts); short protein forms A97G.
Identifiers: ClinVar variation 3374548 (VCV003374548.2).

Conditions:
Long QT syndrome 5 (LQT5). Identifiers: Orphanet 101016, Orphanet 768, MedGen C1867904, MONDO:0013372, OMIM 613695.

Submission:

Roden Lab, Vanderbilt University Medical Center
No classification provided (evidence only). Condition: Long QT syndrome 5. Review status: no classification provided. Collection method: in vitro. Allele origin: not applicable. Functional consequence: Effect on ion channel function.
ClinVar note: "not provided" was previously submitted as the classification for the variant. However, the classification appeared to be based only on an observation of functional data so it was converted to no classification on 2025-07-30.